The following is an entry in ClinVar:

ClinVar aggregate classification (germline): Uncertain significance. Review status: criteria provided, multiple submitters, no conflicts (2 of 4 stars). 2 submissions from 2 submitters: Uncertain significance (2). Last evaluated 2024-09-01.

Conditions:
Hereditary cancer-predisposing syndrome. Also called: Neoplastic Syndromes, Hereditary; Hereditary Cancer Syndrome; Hereditary neoplastic syndrome; Tumor predisposition. Identifiers: Orphanet 140162, MedGen C0027672, MeSH D009386, MONDO:0015356.
Bloom syndrome (BLM). Also called: Bloom-Torre-Machacek syndrome. Identifiers: Orphanet 125, MedGen C0005859, MONDO:0008876, OMIM 210900.

Submissions (2):

Ambry Genetics
Classification: Uncertain significance for Hereditary cancer-predisposing syndrome. Last evaluated: 2024-09-01. Review status: criteria provided, single submitter. Criteria: Ambry Variant Classification Scheme 2023. Collection method: clinical testing. Allele origin: germline.
Comment: The p.A797V variant (also known as c.2390C>T), located in coding exon 10 of the BLM gene, results from a C to T substitution at nucleotide position 2390. The alanine at codon 797 is replaced by valine, an amino acid with similar properties. This amino acid position is conserved. In addition, this alteration is predicted to be deleterious by in silico analysis. Based on the available evidence, the clinical significance of this variant remains unclear.

Labcorp Genetics (formerly Invitae), Labcorp
Classification: Uncertain significance for Bloom syndrome. Last evaluated: 2019-05-22. Review status: criteria provided, single submitter. Criteria: Invitae Variant Classification Sherloc (09022015). Collection method: clinical testing. Allele origin: germline.
Comment: This variant is not present in population databases (ExAC no frequency). In summary, the available evidence is currently insufficient to determine the role of this variant in disease. Therefore, it has been classified as a Variant of Uncertain Significance. Algorithms developed to predict the effect of sequence changes on RNA splicing suggest that this variant may create or strengthen a splice site, but this prediction has not been confirmed by published transcriptional studies. Algorithms developed to predict the effect of missense changes on protein structure and function are either unavailable or do not agree on the potential impact of this missense change (SIFT: "Deleterious"; PolyPhen-2: "Probably Damaging"; Align-GVGD: "Class C0"). This variant has not been reported in the literature in individuals with BLM-related conditions. This sequence change replaces alanine with valine at codon 797 of the BLM protein (p.Ala797Val). The alanine residue is highly conserved and there is a small physicochemical difference between alanine and valine.

NM_000057.4(BLM):c.2390C>T (p.Ala797Val)

Gene: BLM (BLM RecQ like helicase; plus strand). Cytogenetic location: 15q26.1.
Variant type: single nucleotide variant.
Coding change: c.2390C>T on transcript NM_000057.4 (MANE Select); coding-DNA position 2390, C replaced by T.
Protein change: p.Ala797Val; replaces alanine 797 with valine.
Molecular consequence: missense variant.
Genome position (GRCh38, 1-based): chr15:90,769,215, C>T. VCF-style: chr15-90769215-C-T. GRCh37 (hg19) VCF-style: chr15-91312445-C-T.
Other names: c.2390C>T (NM_000057.2); c.2390C>T, p.Ala797Val (NM_001287246.2, NM_001287247.2); c.1265C>T, p.Ala422Val (NM_001287248.2); short protein forms A422V, A797V.
Identifiers: ClinVar variation 934017 (VCV000934017.11), dbSNP rs1896226916, ClinGen allele CA393845199.